The following is an entry in ClinVar:

NM_001365088.1(SLC12A6):c.1765del (p.Thr589fs)

Gene: SLC12A6 (solute carrier family 12 member 6; minus strand). Cytogenetic location: 15q14.
Variant type: Deletion.
Coding change: c.1765del on transcript NM_001365088.1 (MANE Select); coding-DNA position 1765, one base deleted (A; older notation c.1765delA).
Protein change: p.Thr589fs; shifts the reading frame from threonine 589.
Molecular consequence: frameshift variant.
Genome position (GRCh38, 1-based): chr15:34,245,752, T deleted on the plus strand (A on the coding strand, the reverse complement: SLC12A6 is on the minus strand). VCF-style (leftmost placement, unchanged base first): chr15-34245751-GT-G. GRCh37 (hg19) VCF-style: chr15-34537952-GT-G.
Other names: c.1588del, p.Thr530fs (NM_001042494.2, NM_001042495.2); c.1738del, p.Thr580fs (NM_001042496.2); c.1720del, p.Thr574fs (NM_001042497.2); c.1612del, p.Thr538fs (NM_005135.2); c.1765del, p.Thr589fs (NM_133647.2); short protein forms T530fs, T538fs, T574fs, T580fs, T589fs.
Identifiers: ClinVar variation 4807178 (VCV004807178.1).

ClinVar aggregate classification (germline): Pathogenic (1 of 4 stars; one submission).

Submission:

Labcorp Genetics (formerly Invitae), Labcorp
Classification: Pathogenic. Last evaluated: 2025-11-18. Review status: criteria provided, single submitter. Criteria: Invitae Variant Classification Sherloc (09022015). Collection method: clinical testing. Allele origin: germline.
Comment: This sequence change creates a premature translational stop signal (p.Thr589Glnfs*19) in the SLC12A6 gene. It is expected to result in an absent or disrupted protein product. Loss-of-function variants in SLC12A6 are known to be pathogenic (PMID: 12368912, 16606917). This variant is not present in population databases (gnomAD no frequency). This variant has not been reported in the literature in individuals affected with SLC12A6-related conditions. For these reasons, this variant has been classified as Pathogenic.

Literature cited by the submitters: PubMed 12368912; PubMed 16606917.